The following is an entry in ClinVar:

NM_000535.7(PMS2):c.2053G>A (p.Gly685Arg)

Gene: PMS2 (PMS1 homolog 2, mismatch repair system component; minus strand). Cytogenetic location: 7p22.1.
Variant type: single nucleotide variant.
Coding change: c.2053G>A on transcript NM_000535.7 (MANE Select); coding-DNA position 2053, G replaced by A.
Protein change: p.Gly685Arg; replaces glycine 685 with arginine.
Molecular consequence: missense variant. On other transcripts: non-coding transcript variant (1).
Genome position (GRCh38, 1-based): chr7:5,982,945, C>T on the plus strand (G>A on the coding strand, the complement: PMS2 is on the minus strand). VCF-style: chr7-5982945-C-T. GRCh37 (hg19) VCF-style: chr7-6022576-C-T.
Other names: c.1648G>A, p.Gly550Arg (NM_001322003.2, NM_001322004.2, NM_001322005.2 and 1 more transcripts); c.1897G>A, p.Gly633Arg (NM_001322006.2); c.1735G>A, p.Gly579Arg (NM_001322007.2, NM_001322008.2); c.1492G>A, p.Gly498Arg (NM_001322010.2); c.1120G>A, p.Gly374Arg (NM_001322011.2, NM_001322012.2); c.1480G>A, p.Gly494Arg (NM_001322013.2); c.2053G>A, p.Gly685Arg (NM_001322014.2); c.1744G>A, p.Gly582Arg (NM_001322015.2); short protein forms G374R, G498R, G579R, G494R, G550R, G685R, G582R, G633R.
Identifiers: ClinVar variation 642176 (VCV000642176.11), dbSNP rs1583299418, ClinGen allele CA366738098.

ClinVar aggregate classification (germline): Uncertain significance. Review status: criteria provided, multiple submitters, no conflicts (2 of 4 stars). 4 submissions from 4 submitters: Uncertain significance (4). Last evaluated 2025-12-28.

Conditions:
Hereditary nonpolyposis colorectal neoplasms. Identifiers: MedGen C0009405, MeSH D003123.
Hereditary cancer-predisposing syndrome. Also called: Neoplastic Syndromes, Hereditary; Tumor predisposition; Hereditary neoplastic syndrome; Hereditary Cancer Syndrome. Identifiers: Orphanet 140162, MedGen C0027672, MeSH D009386, MONDO:0015356.
Lynch syndrome 4 (LYNCH4). Also called: Hereditary non-polyposis colorectal cancer, type 4; Colorectal cancer, hereditary nonpolyposis, type 4. Identifiers: Orphanet 144, MedGen C1838333, MONDO:0013699, OMIM 614337. Disease mechanism: loss of function.

Submissions (4):

Labcorp Genetics (formerly Invitae), Labcorp
Classification: Uncertain significance for Hereditary nonpolyposis colorectal neoplasms. Last evaluated: 2025-12-28. Review status: criteria provided, single submitter. Criteria: Invitae Variant Classification Sherloc (09022015). Collection method: clinical testing. Allele origin: germline.
Comment: This sequence change replaces glycine, which is neutral and non-polar, with arginine, which is basic and polar, at codon 685 of the PMS2 protein (p.Gly685Arg). The frequency data for this variant in the population databases (gnomAD) is considered unreliable due to the presence of homologous sequence, such as pseudogenes or paralogs, in the genome. This missense change has been observed in individual(s) with clinical features of Lynch syndrome and/or lymphoma (PMID: 34687117; internal data). ClinVar contains an entry for this variant (Variation ID: 642176). Invitae Evidence Modeling incorporating data from in vitro experimental studies (internal data) indicates that this missense variant is expected to disrupt PMS2 function with a positive predictive value of 95%. In summary, the available evidence is currently insufficient to determine the role of this variant in disease. Therefore, it has been classified as a Variant of Uncertain Significance.

Color Diagnostics, LLC DBA Color Health
Classification: Uncertain significance for Hereditary cancer-predisposing syndrome. Last evaluated: 2025-09-16. Review status: criteria provided, single submitter. Criteria: ACMG Guidelines, 2015. Collection method: clinical testing. Allele origin: germline.
Comment: This missense variant replaces glycine with arginine at codon 685 of the PMS2 protein. Computational prediction suggests that this variant may have deleterious impact on protein structure and function. To our knowledge, functional studies have not been reported for this variant. This variant has not been reported in individuals affected with PMS2-related disorders in the literature. This variant has not been identified in the general population by the Genome Aggregation Database (gnomAD). The available evidence is insufficient to determine the role of this variant in disease conclusively. Therefore, this variant is classified as a Variant of Uncertain Significance.

Ambry Genetics
Classification: Uncertain significance for Hereditary cancer-predisposing syndrome. Last evaluated: 2025-01-08. Review status: criteria provided, single submitter. Criteria: Ambry Variant Classification Scheme 2023. Collection method: clinical testing. Allele origin: germline.
Comment: The p.G685R variant (also known as c.2053G>A), located in coding exon 12 of the PMS2 gene, results from a G to A substitution at nucleotide position 2053. The glycine at codon 685 is replaced by arginine, an amino acid with dissimilar properties. This amino acid position is highly conserved in available vertebrate species. In addition, this alteration is predicted to be deleterious by in silico analysis. Based on the available evidence, the clinical significance of this variant remains unclear.

Baylor Genetics
Classification: Uncertain significance for Lynch syndrome 4. Last evaluated: 2023-07-11. Review status: criteria provided, single submitter. Criteria: ACMG Guidelines, 2015. Collection method: clinical testing. Allele origin: unknown.

Literature cited by the submitters: PubMed 34687117 (cited by Labcorp Genetics (formerly Invitae), Labcorp).